The following is an entry in ClinVar:

NM_001853.4(COL9A3):c.630G>T (p.Lys210Asn)

Gene: COL9A3 (collagen type IX alpha 3 chain; plus strand). Cytogenetic location: 20q13.33.
Variant type: single nucleotide variant.
Coding change: c.630G>T on transcript NM_001853.4 (MANE Select); coding-DNA position 630, G replaced by T.
Protein change: p.Lys210Asn; replaces lysine 210 with asparagine.
Molecular consequence: missense variant.
Genome position (GRCh38, 1-based): chr20:62,825,021, G>T. VCF-style: chr20-62825021-G-T. GRCh37 (hg19) VCF-style: chr20-61456373-G-T.
Other names: short protein forms K210N.
Identifiers: ClinVar variation 3373736 (VCV003373736.1).

ClinVar aggregate classification (germline): Uncertain significance (1 of 4 stars; one submission).

Submission:

GeneDx
Classification: Uncertain significance. Last evaluated: 2024-03-06. Review status: criteria provided, single submitter. Criteria: GeneDx Variant Classification Process June 2021. Collection method: clinical testing. Allele origin: germline. Affected: yes.
Comment: Has not been previously published as pathogenic or benign to our knowledge; Not observed at significant frequency in large population cohorts (gnomAD); Alters the last nucleotide of the exon and is predicted to destroy the splice donor site but the effect on protein function is unclear; In silico analysis supports that this missense variant has a deleterious effect on protein structure/function